The following is an entry in ClinVar:

NM_001004334.4(GPR179):c.5414A>T (p.Glu1805Val)

Gene: GPR179 (G protein-coupled receptor 179; minus strand). Cytogenetic location: 17q12.
Variant type: single nucleotide variant.
Coding change: c.5414A>T on transcript NM_001004334.4 (MANE Select); coding-DNA position 5414, A replaced by T.
Protein change: p.Glu1805Val; replaces glutamic acid 1805 with valine.
Molecular consequence: missense variant.
Genome position (GRCh38, 1-based): chr17:38,328,155, T>A on the plus strand (A>T on the coding strand, the complement: GPR179 is on the minus strand). VCF-style: chr17-38328155-T-A. GRCh37 (hg19) VCF-style: chr17-36484038-T-A.
Other names: short protein forms E1805V.
Identifiers: ClinVar variation 2096120 (VCV002096120.1), dbSNP rs2512157582, ClinGen allele CA398872019.
Genomic context (GRCh38, chr17:38,328,155, plus strand): 5'-CCTTCACTTACCTCCCAGGGACAGATCTTGGCTTTTTCACTGGTAGCAGCTTCCTGTGCT[T>A]CCCAGGGACACACTTCACCTGGCCTGCAGCCCATATGATCCAGTTCCTGGAACCCAGCTT-3'
Protein context (NP_001004334.3, residues 1795-1815): GCRPGEVCPW[Glu1805Val]AQEAATSEKA

ClinVar aggregate classification (germline): Uncertain significance (1 of 4 stars; one submission).

Submission:

Labcorp Genetics (formerly Invitae), Labcorp
Classification: Uncertain significance. Last evaluated: 2022-06-26. Review status: criteria provided, single submitter. Criteria: Invitae Variant Classification Sherloc (09022015). Collection method: clinical testing. Allele origin: germline.
Comment: This sequence change replaces glutamic acid, which is acidic and polar, with valine, which is neutral and non-polar, at codon 1805 of the GPR179 protein (p.Glu1805Val). This variant is not present in population databases (gnomAD no frequency). This variant has not been reported in the literature in individuals affected with GPR179-related conditions. Algorithms developed to predict the effect of missense changes on protein structure and function are either unavailable or do not agree on the potential impact of this missense change (SIFT: "Deleterious"; PolyPhen-2: "Probably Damaging"; Align-GVGD: "Class C0"). In summary, the available evidence is currently insufficient to determine the role of this variant in disease. Therefore, it has been classified as a Variant of Uncertain Significance.